The following is an entry in ClinVar:

ClinVar aggregate classification (germline): Uncertain significance. Review status: criteria provided, multiple submitters, no conflicts (2 of 4 stars). 4 submissions from 4 submitters: Uncertain significance (4). Last evaluated 2026-04-14.

Conditions:
PLEC-related disorder. Also called: PLEC-related condition; PLEC-related disorders.
Epidermolysis bullosa simplex 5C, with pyloric atresia (EBS5C). Also called: PLEC-Related Epidermolysis Bullosa with Pyloric Atresia; Epidermolysis bullosa simplex with pyloric atresia; PLEC1-Related Epidermolysis Bullosa with Pyloric Atresia. Identifiers: Orphanet 158684, MedGen C2677349, MONDO:0012807, OMIM 612138.
Epidermolysis bullosa simplex with nail dystrophy (EBS5D). Identifiers: MedGen C4225309, MONDO:0014661, OMIM 616487.
Autosomal recessive limb-girdle muscular dystrophy type 2Q (LGMDR17). Also called: MUSCULAR DYSTROPHY, LIMB-GIRDLE, AUTOSOMAL RECESSIVE 17. Identifiers: Orphanet 254361, MedGen C3150989, MONDO:0013390, OMIM 613723.
Epidermolysis bullosa simplex, Ogna type (EBS5A). Also called: Pidermolysis bullosa simplex 5A, Ogna type; EPIDERMOLYSIS BULLOSA SIMPLEX 5A, OGNA TYPE. Identifiers: Orphanet 79401, MedGen C0432317, MONDO:0007555, OMIM 131950.
Epidermolysis bullosa simplex 5B, with muscular dystrophy (EBS5B). Also called: EPIDERMOLYSIS BULLOSA SIMPLEX AND LIMB-GIRDLE MUSCULAR DYSTROPHY; Epidermolysis bullosa simplex with muscular dystrophy. Identifiers: Orphanet 257, MedGen C2931072, MONDO:0009181, OMIM 226670.
Inborn genetic diseases. Identifiers: MedGen C0950123, MeSH D030342.

Allele frequency attached by ClinVar (database versions not stated): ExAC 0.00003; gnomAD exomes 0.00003 and 0.00004; gnomAD 0.00004; TOPMed 0.00005.
gnomAD v4.1: 69 of 1,612,150 alleles (0.0043%); highest among the groups gnomAD compares: East Asian, 0.085%; no homozygotes.

Submissions (4):

PreventionGenetics, part of Exact Sciences
Classification: Uncertain significance for PLEC-related condition. Last evaluated: 2026-04-14. Review status: criteria provided, single submitter. Criteria: ACMG Guidelines, 2015. Collection method: clinical testing. Allele origin: germline.
Comment: The PLEC c.10807G>A variant is predicted to result in the amino acid substitution p.Gly3603Ser. To our knowledge, this variant has not been reported in the literature. This variant is reported in 0.015% of alleles in individuals of East Asian descent in gnomAD. At this time, the clinical significance of this variant is uncertain due to the absence of conclusive functional and genetic evidence.

Labcorp Genetics (formerly Invitae), Labcorp
Classification: Uncertain significance for Autosomal recessive limb-girdle muscular dystrophy type 2Q; Epidermolysis bullosa simplex, Ogna type; Epidermolysis bullosa simplex with nail dystrophy; Epidermolysis bullosa simplex 5C, with pyloric atresia; Epidermolysis bullosa simplex 5B, with muscular dystrophy. Last evaluated: 2025-06-17. Review status: criteria provided, single submitter. Criteria: Invitae Variant Classification Sherloc (09022015). Collection method: clinical testing. Allele origin: germline.
Comment: This sequence change replaces glycine, which is neutral and non-polar, with serine, which is neutral and polar, at codon 3603 of the PLEC protein (p.Gly3603Ser). This variant is present in population databases (rs781940520, gnomAD 0.01%). This variant has not been reported in the literature in individuals affected with PLEC-related conditions. ClinVar contains an entry for this variant (Variation ID: 290658). An algorithm developed to predict the effect of missense changes on protein structure and function (PolyPhen-2) suggests that this variant is likely to be disruptive. In summary, the available evidence is currently insufficient to determine the role of this variant in disease. Therefore, it has been classified as a Variant of Uncertain Significance.

Ambry Genetics
Classification: Uncertain significance for Inborn genetic diseases. Last evaluated: 2022-05-13. Review status: criteria provided, single submitter. Criteria: Ambry Variant Classification Scheme 2023. Collection method: clinical testing. Allele origin: germline.

Eurofins Ntd Llc (ga)
Classification: Uncertain significance. Last evaluated: 2016-08-28. Review status: criteria provided, single submitter. Criteria: EGL Classification Definitions 2015. Collection method: clinical testing. Allele origin: germline. Observed: 1 variant allele, 1 heterozygote.

NM_201384.3(PLEC):c.10726G>A (p.Gly3576Ser)

Gene: PLEC (plectin; minus strand). Cytogenetic location: 8q24.3.
Variant type: single nucleotide variant.
Coding change: c.10726G>A on transcript NM_201384.3 (MANE Select); coding-DNA position 10726, G replaced by A.
Protein change: p.Gly3576Ser; replaces glycine 3576 with serine.
Molecular consequence: missense variant.
Genome position (GRCh38, 1-based): chr8:143,919,095, C>T on the plus strand (G>A on the coding strand, the complement: PLEC is on the minus strand). VCF-style: chr8-143919095-C-T. GRCh37 (hg19) VCF-style: chr8-144993263-C-T.
Other names: c.10807G>A, p.Gly3603Ser (NM_000445.5); c.10684G>A, p.Gly3562Ser (NM_201378.4); c.10660G>A, p.Gly3554Ser (NM_201379.3); c.11137G>A, p.Gly3713Ser (NM_201380.4); c.10630G>A, p.Gly3544Ser (NM_201381.3); c.10726G>A, p.Gly3576Ser (NM_201382.4); c.10738G>A, p.Gly3580Ser (NM_201383.3); c.10807G>A (NM_000445.3); short protein forms G3544S, G3554S, G3562S, G3576S, G3603S, G3713S, G3580S.
Identifiers: ClinVar variation 290658 (VCV000290658.16), dbSNP rs781940520, ClinGen allele CA4924552.
Genomic context (GRCh38, chr8:143,919,095, plus strand): 5'-TCAGGTCCGACTGCATCACCTCCCACAGGGACATGGTGGAGCCGCCGTGGCTGCCGCCGC[C>T]GGGAATGTCGATCTGTGTCTCTTCAAATGCCCTTCTTGTCTCCTCCTCAGTGTACACCTG-3'
Protein context (NP_958786.1, residues 3566-3586): AFEETQIDIP[Gly3576Ser]GGSHGGSTMS